The following is an entry in ClinVar:

ClinVar aggregate classification (germline): Uncertain significance. Review status: criteria provided, multiple submitters, no conflicts (2 of 4 stars). 3 submissions from 3 submitters: Uncertain significance (3). Last evaluated 2025-11-17.

Conditions:
Hereditary cancer-predisposing syndrome. Also called: Neoplastic Syndromes, Hereditary; Tumor predisposition; Hereditary Cancer Syndrome; Hereditary neoplastic syndrome. Identifiers: Orphanet 140162, MedGen C0027672, MeSH D009386, MONDO:0015356.
Tuberous sclerosis 2 (TSC2). Identifiers: Orphanet 805, MedGen C1860707, MONDO:0013199, OMIM 613254.

Allele frequency attached by ClinVar (database versions not stated): gnomAD 0.00001.
gnomAD v4.1: 1 of 1,609,718 alleles (0.000062%); highest among the groups gnomAD compares: African/African-American, 0.0013%; no homozygotes.

Submissions (3):

Labcorp Genetics (formerly Invitae), Labcorp
Classification: Uncertain significance for Tuberous sclerosis 2. Last evaluated: 2025-11-17. Review status: criteria provided, single submitter. Criteria: Invitae Variant Classification Sherloc (09022015). Collection method: clinical testing. Allele origin: germline.
Comment: This sequence change replaces methionine, which is neutral and non-polar, with leucine, which is neutral and non-polar, at codon 535 of the TSC2 protein (p.Met535Leu). This variant is present in population databases (no rsID available, gnomAD 0.01%). This variant has not been reported in the literature in individuals affected with TSC2-related conditions. ClinVar contains an entry for this variant (Variation ID: 566422). Invitae Evidence Modeling of protein sequence and biophysical properties (such as structural, functional, and spatial information, amino acid conservation, physicochemical variation, residue mobility, and thermodynamic stability) indicates that this missense variant is not expected to disrupt TSC2 protein function with a negative predictive value of 95%. In summary, the available evidence is currently insufficient to determine the role of this variant in disease. Therefore, it has been classified as a Variant of Uncertain Significance.

Quest Diagnostics Nichols Institute San Juan Capistrano
Classification: Uncertain significance. Last evaluated: 2025-08-26. Review status: criteria provided, single submitter. Criteria: Quest Diagnostics criteria. Collection method: clinical testing. Allele origin: unknown.

Ambry Genetics
Classification: Uncertain significance for Hereditary cancer-predisposing syndrome. Last evaluated: 2025-08-20. Review status: criteria provided, single submitter. Criteria: Ambry Variant Classification Scheme 2023. Collection method: clinical testing. Allele origin: germline.
Comment: The p.M535L variant (also known as c.1603A>T), located in coding exon 15 of the TSC2 gene, results from an A to T substitution at nucleotide position 1603. The methionine at codon 535 is replaced by leucine, an amino acid with highly similar properties. This amino acid position is conserved. In addition, this alteration is predicted to be tolerated by in silico analysis. Since supporting evidence is limited at this time, the clinical significance of this alteration remains unclear.

NM_000548.5(TSC2):c.1603A>T (p.Met535Leu)

Gene: TSC2 (TSC complex subunit 2; plus strand). Cytogenetic location: 16p13.3.
Variant type: single nucleotide variant.
Coding change: c.1603A>T on transcript NM_000548.5 (MANE Select); coding-DNA position 1603, A replaced by T.
Protein change: p.Met535Leu; replaces methionine 535 with leucine.
Molecular consequence: missense variant.
Genome position (GRCh38, 1-based): chr16:2,065,522, A>T. VCF-style: chr16-2065522-A-T. GRCh37 (hg19) VCF-style: chr16-2115523-A-T.
Other names: c.1603A>T, p.Met535Leu (NM_001077183.3, NM_001114382.3, NM_001363528.2 and 3 more transcripts); c.1492A>T, p.Met498Leu (NM_001318827.2); c.1456A>T, p.Met486Leu (NM_001318829.2); c.1003A>T, p.Met335Leu (NM_001318831.2); c.1636A>T, p.Met546Leu (NM_001318832.2); short protein forms M535L, M335L, M486L, M498L, M546L.
Identifiers: ClinVar variation 566422 (VCV000566422.13), dbSNP rs1309598467, ClinGen allele CA394267543.